The following is an entry in ClinVar:

NM_001376.5(DYNC1H1):c.11866-4A>G

Gene: DYNC1H1 (dynein cytoplasmic 1 heavy chain 1; plus strand). Cytogenetic location: 14q32.31.
Variant type: single nucleotide variant.
Coding change: c.11866-4A>G on transcript NM_001376.5 (MANE Select); 4 bases into the intron before coding-DNA position 11866, A replaced by G.
Molecular consequence: intron variant.
Genome position (GRCh38, 1-based): chr14:102,040,594, A>G. VCF-style: chr14-102040594-A-G. GRCh37 (hg19) VCF-style: chr14-102506931-A-G.
Other names: c.11866-4A>G (NM_001376.4).
Identifiers: ClinVar variation 1595813 (VCV001595813.14), dbSNP rs766735095, ClinGen allele CA7353763.

ClinVar aggregate classification (germline): Likely benign. Review status: criteria provided, multiple submitters, no conflicts (2 of 4 stars). 3 submissions from 3 submitters: Likely benign (2). 1 of the submissions does not count toward it. Last evaluated 2025-12-19.

Conditions:
DYNC1H1-related disorder. Also called: DYNC1H1-related condition; DYNC1H1-related disorders. Identifiers: MedGen CN381529.
Charcot-Marie-Tooth disease axonal type 2O. Also called: CHARCOT-MARIE-TOOTH NEUROPATHY, AXONAL, TYPE 2O; CHARCOT-MARIE-TOOTH DISEASE, AXONAL, AUTOSOMAL DOMINANT, TYPE 2O; Charcot-Marie-Tooth Neuropathy Type 2O; Charcot-Marie-Tooth disease, axonal, type 20. Identifiers: Orphanet 284232, MedGen C3280220, MONDO:0013644, OMIM 614228.

gnomAD v4.1: 20 of 1,614,194 alleles (0.0012%); highest among the groups gnomAD compares: Admixed American, 0.033%; no homozygotes.

Submissions (3):

Labcorp Genetics (formerly Invitae), Labcorp
Classification: Likely benign for Charcot-Marie-Tooth disease axonal type 2O. Last evaluated: 2025-12-19. Review status: criteria provided, single submitter. Criteria: Invitae Variant Classification Sherloc (09022015). Collection method: clinical testing. Allele origin: germline.

CeGaT Center for Human Genetics Tuebingen
Classification: Likely benign. Last evaluated: 2025-12-01. Review status: criteria provided, single submitter. Criteria: CeGaT Center For Human Genetics Tuebingen Variant Classification Criteria Version 2. Collection method: clinical testing. Allele origin: germline. Affected: yes. Observed: 1 variant allele.
Comment: DYNC1H1: BP4, BS2

PreventionGenetics, part of Exact Sciences
Classification: Likely benign for DYNC1H1-related condition. Last evaluated: 2022-10-19. Review status: no assertion criteria provided. Collection method: clinical testing. Allele origin: germline. Not counted in ClinVar's aggregate classification.
Comment: This variant is classified as likely benign based on ACMG/AMP sequence variant interpretation guidelines (Richards et al. 2015 PMID: 25741868, with internal and published modifications).